The following is an entry in ClinVar:

NM_021096.4(CACNA1I):c.1805C>T (p.Ser602Phe)

Gene: CACNA1I (calcium voltage-gated channel subunit alpha1 I; plus strand). Cytogenetic location: 22q13.1.
Variant type: single nucleotide variant.
Coding change: c.1805C>T on transcript NM_021096.4 (MANE Select); coding-DNA position 1805, C replaced by T.
Protein change: p.Ser602Phe; replaces serine 602 with phenylalanine.
Molecular consequence: missense variant.
Genome position (GRCh38, 1-based): chr22:39,649,738, C>T. VCF-style: chr22-39649738-C-T. GRCh37 (hg19) VCF-style: chr22-40045743-C-T.
Other names: c.1700C>T, p.Ser567Phe (NM_001003406.2); short protein forms S567F, S602F.
Identifiers: ClinVar variation 3365459 (VCV003365459.2).

ClinVar aggregate classification (germline): Uncertain significance (1 of 4 stars; one submission).

gnomAD v4.1: 2 of 1,573,110 alleles (0.00013%); highest among the groups gnomAD compares: African/African-American, 0.0027%; no homozygotes.

Submission:

GeneDx
Classification: Uncertain significance. Last evaluated: 2025-03-17. Review status: criteria provided, single submitter. Criteria: GeneDx Variant Classification Process June 2021. Collection method: clinical testing. Allele origin: germline.
Comment: Not observed at significant frequency in large population cohorts (gnomAD); In silico analysis indicates that this missense variant does not alter protein structure/function; Has not been previously published as pathogenic or benign to our knowledge